The following is an entry in ClinVar:

ClinVar aggregate classification (germline): Uncertain significance. Review status: criteria provided, single submitter (1 of 4 stars). 2 submissions from 2 submitters: Uncertain significance (1). 1 of the submissions does not count toward it. Last evaluated 2024-05-09.

Conditions:
Hereditary breast ovarian cancer syndrome. Also called: Breast and ovarian cancer; Hereditary breast and ovarian cancer; Hereditary breast and ovarian cancer syndrome; BRCA1- and BRCA2-Associated Hereditary Breast and Ovarian Cancer; Hereditary breast and ovarian cancer syndrome (HBOC); Hereditary breast and/or ovarian cancer syndrome. Identifiers: Orphanet 145, MedGen C0677776, MeSH D061325, MONDO:0003582. Disease mechanism: loss of function.
Breast-ovarian cancer, familial, susceptibility to, 2 (BROVCA2). Also called: BRCA2 Hereditary Breast and Ovarian Cancer. Identifiers: Orphanet 145, MedGen C2675520, MONDO:0012933, OMIM 612555. Disease mechanism: loss of function.

Submissions (2):

Labcorp Genetics (formerly Invitae), Labcorp
Classification: Uncertain significance for Hereditary breast ovarian cancer syndrome. Last evaluated: 2024-05-09. Review status: criteria provided, single submitter. Criteria: Invitae Variant Classification Sherloc (09022015). Collection method: clinical testing. Allele origin: germline.
Comment: This sequence change falls in intron 22 of the BRCA2 gene. It does not directly change the encoded amino acid sequence of the BRCA2 protein. This variant is not present in population databases (gnomAD no frequency). This variant has not been reported in the literature in individuals affected with BRCA2-related conditions. ClinVar contains an entry for this variant (Variation ID: 91739). Algorithms developed to predict the effect of sequence changes on RNA splicing suggest that this variant may disrupt the consensus splice site. In summary, the available evidence is currently insufficient to determine the role of this variant in disease. Therefore, it has been classified as a Variant of Uncertain Significance.

Sharing Clinical Reports Project (SCRP)
Classification: Uncertain significance for Breast-ovarian cancer, familial 2. Last evaluated: 2010-04-19. Review status: no assertion criteria provided. Collection method: clinical testing. Allele origin: germline. Not counted in ClinVar's aggregate classification.

NC_000013.11:g.32379737T>G

Gene: BRCA2 (BRCA2 DNA repair associated; plus strand). Cytogenetic location: 13q13.1.
Variant type: single nucleotide variant.
Genome position: GRCh38 VCF-style: chr13-32379737-T-G. GRCh37 (hg19) VCF-style: chr13-32953874-T-G.
Other names: IVS22-13T>G; c.8954-13T>G (LRG_293t1).
Identifiers: ClinVar variation 91739 (VCV000091739.4), dbSNP rs398122717, ClinGen allele CA025893.